The following is an entry in ClinVar:

ClinVar aggregate classification (germline): Pathogenic. Review status: criteria provided, multiple submitters, no conflicts (2 of 4 stars). 8 submissions from 8 submitters: Pathogenic (7). 1 of the submissions does not count toward it. Last evaluated 2026-08-11.

Conditions:
Basal cell nevus syndrome 2 (BCNS2). Also called: NEVOID BASAL CELL CARCINOMA SYNDROME 2. Identifiers: MedGen C5830451, MONDO:0958189, OMIM 620343.
Hereditary cancer-predisposing syndrome. Also called: Tumor predisposition; Hereditary Cancer Syndrome; Hereditary neoplastic syndrome; Neoplastic Syndromes, Hereditary. Identifiers: Orphanet 140162, MedGen C0027672, MeSH D009386, MONDO:0015356.
Medulloblastoma (MDB). Also called: Medulloblastoma, somatic; MEDULLOBLASTOMA PREDISPOSITION SYNDROME. Identifiers: Orphanet 616, MedGen C0025149, MeSH D008527, MONDO:0007959, OMIM 155255, HP:0002885.
Gorlin syndrome. Also called: Basal cell nevus syndrome; Nevoid Basal Cell Carcinoma Syndrome. Identifiers: Orphanet 377, MedGen C0004779, MONDO:0007187.

Submissions (8):

Ambry Genetics
Classification: Pathogenic for Hereditary cancer-predisposing syndrome. Last evaluated: 2026-08-11. Review status: criteria provided, single submitter. Criteria: Ambry Variant Classification Scheme 2023. Collection method: clinical testing. Allele origin: germline.
Comment: The c.71dupC pathogenic mutation, located in coding exon 1 of the SUFU gene, results from a duplication of C at nucleotide position 71, causing a translational frameshift with a predicted alternate stop codon (p.A25Gfs*23). This variant was reported in individuals with features consistent with SUFU-related disorders (Brugi&egrave;res L et al. J. Med. Genet., 2010 Feb;47:142-4; Abbott JJ et al. JAMA Dermatol, 2024 Nov;160:1220-1224; Pigem R et al. Int J Dermatol, 2022 Aug;61:1026-1028). This alteration is expected to result in loss of function by premature protein truncation or nonsense-mediated mRNA decay. As such, this alteration is interpreted as a disease-causing mutation.

Labcorp Genetics (formerly Invitae), Labcorp
Classification: Pathogenic for Gorlin syndrome; Medulloblastoma. Last evaluated: 2026-01-21. Review status: criteria provided, single submitter. Criteria: Invitae Variant Classification Sherloc (09022015). Collection method: clinical testing. Allele origin: germline.
Comment: This sequence change creates a premature translational stop signal (p.Ala25Glyfs*23) in the SUFU gene. It is expected to result in an absent or disrupted protein product. Loss-of-function variants in SUFU are known to be pathogenic (PMID: 22508808, 25403219, 33024317). This variant is not present in population databases (gnomAD no frequency). This premature translational stop signal has been observed in individual(s) with medulloblastoma (PMID: 19833601). It has also been observed to segregate with disease in related individuals. ClinVar contains an entry for this variant (Variation ID: 3574). For these reasons, this variant has been classified as Pathogenic.

GeneDx
Classification: Pathogenic. Last evaluated: 2025-02-04. Review status: criteria provided, single submitter. Criteria: GeneDx Variant Classification Process June 2021. Collection method: clinical testing. Allele origin: germline. Affected: yes.
Comment: Frameshift variant predicted to result in protein truncation or nonsense mediated decay in a gene for which loss of function is a known mechanism of disease; Not observed at significant frequency in large population cohorts (gnomAD); This variant is associated with the following publications: (PMID: 19833601, 32930885, 34308366, 35957908, 34308104, 24651015, 34675124, 28873162)

Division of Genetic & Genomic Pathology, Hong Kong Children's Hospital
Classification: Pathogenic for Gorlin syndrome. Last evaluated: 2024-07-19. Review status: criteria provided, single submitter. Criteria: ACMG Guidelines, 2015. Collection method: clinical testing. Allele origin: germline. Affected: yes.
Comment: The nonsense variant c.71dup p.(Ala25Glyfs*23) is located in the first exon of the SUFU gene. It is predicted to induce nonsense-mediated mRNA decay. Null variant in SUFU gene is a known disease mechanism (PMID: 20301330). The variant is found at a low frequency in control populations (gnomAD v4.1.0: 4 out of 1,604,928 alleles among all populations). It has been reported in multiple patients with nevoid basal cell carcinoma syndrome (NBCCS) or medulloblastoma (PMID: 32930885, 19833601, 29186568, 34771502). For these reasons, this variant is classified as pathogenic.

Institute for Genomic Medicine (IGM) Clinical Laboratory, Nationwide Children's Hospital
Classification: Pathogenic for Basal cell nevus syndrome 2. Last evaluated: 2023-12-06. Review status: criteria provided, single submitter. Criteria: ACMG Guidelines, 2015. Collection method: clinical testing. Allele origin: germline.
Comment: This variant is predicted to result in loss of function through nonsense-mediated decay of the encoded transcript or premature truncation of the encoded protein in a gene in which loss of function is a known mechanism of disease (ACMG/AMP: PVS1). This variant has been reported at an elevated frequency in affected individuals/in multiple affected individuals in the literature (ACMG/AMP: PS4; PMID:19833601). This variant is absent from or present at an exceedingly low frequency in gnomAD, a large-scale control population database (ACMG/AMP: PM2). This variant has been shown to segregate with disease in multiple affected family members (ACMG/AMP: PP1; PMID:19833601).

Baylor Genetics
Classification: Pathogenic for Medulloblastoma. Last evaluated: 2021-09-28. Review status: criteria provided, single submitter. Criteria: ACMG Guidelines, 2015. Collection method: clinical testing. Allele origin: de novo. Affected: yes. Study: CSER-TexasKidsCanSeq.
Comment: This variant was determined to be pathogenic according to ACMG Guidelines, 2015 [PMID:25741868].

Department of Pediatrics, Memorial Sloan Kettering Cancer Center
Classification: Pathogenic for Medulloblastoma. Last evaluated: 2020-12-15. Review status: criteria provided, single submitter. Criteria: ACMG Guidelines, 2015. Collection method: research. Allele origin: germline. Affected: yes.

OMIM
Classification: Pathogenic for MEDULLOBLASTOMA. Last evaluated: 2010-02-01. Review status: no assertion criteria provided. Collection method: literature only. Allele origin: germline. Not counted in ClinVar's aggregate classification.

Literature cited by the submitters: PubMed 19833601 (cited by 5 submitters); PubMed 24651015 (cited by Ambry Genetics); PubMed 34865215 (cited by Ambry Genetics); PubMed 39292485 (cited by Ambry Genetics); PubMed 22508808 (cited by Labcorp Genetics (formerly Invitae), Labcorp); PubMed 25403219 (cited by Labcorp Genetics (formerly Invitae), Labcorp); PubMed 33024317 (cited by Labcorp Genetics (formerly Invitae), Labcorp); PubMed 20301330 (cited by Division of Genetic & Genomic Pathology, Hong Kong Children's Hospital); PubMed 32930885 (cited by Division of Genetic & Genomic Pathology, Hong Kong Children's Hospital); PubMed 29186568 (cited by Division of Genetic & Genomic Pathology, Hong Kong Children's Hospital); PubMed 34771502 (cited by Division of Genetic & Genomic Pathology, Hong Kong Children's Hospital); PubMed 28873162 (cited by Department of Pediatrics, Memorial Sloan Kettering Cancer Center).

NM_016169.4(SUFU):c.71dup (p.Ala25fs)

Genes: SUFU (SUFU negative regulator of hedgehog signaling; plus strand), LOC130004614 (ATAC-STARR-seq lymphoblastoid silent region 2764; plus strand). Cytogenetic location: 10q24.32.
Variant type: Duplication.
Coding change: c.71dup on transcript NM_016169.4 (MANE Select); coding-DNA position 71, one base duplicated (C; older notation c.71dupC).
Protein change: p.Ala25fs; shifts the reading frame from alanine 25.
Molecular consequence: frameshift variant.
Genome position (GRCh38, 1-based): chr10:102,504,223, C duplicated; the last of 7 consecutive C bases (chr10:102,504,217-102,504,223); duplicating any one gives the same sequence. VCF-style (leftmost placement, unchanged base first): chr10-102504216-G-GC. GRCh37 (hg19) VCF-style: chr10-104263973-G-GC.
Other names: c.71dupC (NM_016169.3, NM_016169.4); c.71dup, p.Ala25fs (NM_001178133.2); short protein forms A25fs.
Identifiers: ClinVar variation 3574 (VCV000003574.21), dbSNP rs587776579, ClinGen allele CA5667585.